The following is an entry in ClinVar:

NM_006767.4(LZTR1):c.719T>C (p.Met240Thr)

Gene: LZTR1 (leucine zipper like post translational regulator 1; plus strand). Cytogenetic location: 22q11.21.
Variant type: single nucleotide variant.
Coding change: c.719T>C on transcript NM_006767.4 (MANE Select); coding-DNA position 719, T replaced by C.
Protein change: p.Met240Thr; replaces methionine 240 with threonine.
Molecular consequence: missense variant.
Genome position (GRCh38, 1-based): chr22:20,990,453, T>C. VCF-style: chr22-20990453-T-C. GRCh37 (hg19) VCF-style: chr22-21344742-T-C.
Other names: c.719T>C (NM_006767.3); short protein forms M240T.
Identifiers: ClinVar variation 2676398 (VCV002676398.7), dbSNP rs2518615780, ClinGen allele CA410780551.
Genomic context (GRCh38, chr22:20,990,453, plus strand): 5'-AGAGTGGCGAGATCCCCCCATCTTGCTGCAACTTCCCCGTGGCTGTGTGCCGGGACAAGA[T>C]GTTTGTATTCTCTGGGCAAAGCGGAGCCAAAATAACCAACAACCTCTTCCAGTTTGAATT-3'
Protein context (NP_006758.2, residues 230-250): NFPVAVCRDK[Met240Thr]FVFSGQSGAK

ClinVar aggregate classification (germline): Conflicting classifications of pathogenicity. Review status: criteria provided, conflicting classifications (1 of 4 stars). 4 submissions from 4 submitters: Uncertain significance (3); Likely benign (1). Last evaluated 2025-11-20.

Conditions:
Hereditary cancer-predisposing syndrome. Also called: Hereditary neoplastic syndrome; Tumor predisposition; Hereditary Cancer Syndrome; Neoplastic Syndromes, Hereditary. Identifiers: Orphanet 140162, MedGen C0027672, MeSH D009386, MONDO:0015356.
Cardiovascular phenotype. Identifiers: MedGen CN230736.
LZTR1-related schwannomatosis. Also called: Schwannomatosis 2; Schwannomatosis-2, susceptibility to. Identifiers: Orphanet 93921, MedGen C3810283, MONDO:0014299, OMIM 615670.

Submissions (4):

Ambry Genetics
Classification: Uncertain significance for Cardiovascular phenotype; Hereditary cancer-predisposing syndrome. Last evaluated: 2025-11-20. Review status: criteria provided, single submitter. Criteria: Ambry Variant Classification Scheme 2023. Collection method: clinical testing. Allele origin: germline.
Comment: The p.M240T variant (also known as c.719T>C), located in coding exon 8 of the LZTR1 gene, results from a T to C substitution at nucleotide position 719. The methionine at codon 240 is replaced by threonine, an amino acid with similar properties. This amino acid position is conserved. In addition, this alteration is predicted to be deleterious by in silico analysis. Since supporting evidence is limited at this time, the clinical significance of this alteration remains unclear.

Labcorp Genetics (formerly Invitae), Labcorp
Classification: Uncertain significance. Last evaluated: 2024-05-15. Review status: criteria provided, single submitter. Criteria: Invitae Variant Classification Sherloc (09022015). Collection method: clinical testing. Allele origin: germline.
Comment: This sequence change replaces methionine, which is neutral and non-polar, with threonine, which is neutral and polar, at codon 240 of the LZTR1 protein (p.Met240Thr). This variant is not present in population databases (gnomAD no frequency). This variant has not been reported in the literature in individuals affected with LZTR1-related conditions. Advanced modeling of protein sequence and biophysical properties (such as structural, functional, and spatial information, amino acid conservation, physicochemical variation, residue mobility, and thermodynamic stability) performed at Invitae indicates that this missense variant is not expected to disrupt LZTR1 protein function with a negative predictive value of 80%. In summary, the available evidence is currently insufficient to determine the role of this variant in disease. Therefore, it has been classified as a Variant of Uncertain Significance.

Baylor Genetics
Classification: Uncertain significance for LZTR1-related schwannomatosis. Last evaluated: 2023-08-05. Review status: criteria provided, single submitter. Criteria: ACMG Guidelines, 2015. Collection method: clinical testing. Allele origin: unknown.

Blueprint Genetics
Classification: Likely benign. Last evaluated: 2022-07-13. Review status: criteria provided, single submitter. Criteria: ACMG Guidelines, 2015. Collection method: clinical testing. Allele origin: germline.